The following is an entry in ClinVar:

ClinVar aggregate classification (germline): Uncertain significance (1 of 4 stars; one submission).

Conditions:
Nephronophthisis 14 (NPHP14). Identifiers: Orphanet 2318, MedGen C3539071, MONDO:0013916, OMIM 614844.

gnomAD v4.1: 1 of 1,614,076 alleles (0.000062%); highest among the groups gnomAD compares: Non-Finnish European, 0.000085%; no homozygotes.

Submission:

Labcorp Genetics (formerly Invitae), Labcorp
Classification: Uncertain significance for Nephronophthisis 14. Last evaluated: 2021-09-09. Review status: criteria provided, single submitter. Criteria: Invitae Variant Classification Sherloc (09022015). Collection method: clinical testing. Allele origin: germline.
Comment: In summary, the available evidence is currently insufficient to determine the role of this variant in disease. Therefore, it has been classified as a Variant of Uncertain Significance. Algorithms developed to predict the effect of missense changes on protein structure and function are either unavailable or do not agree on the potential impact of this missense change (SIFT: "Deleterious"; PolyPhen-2: "Benign"; Align-GVGD: "Class C15"). This variant has not been reported in the literature in individuals affected with ZNF423-related conditions. This variant is not present in population databases (ExAC no frequency). This sequence change replaces phenylalanine with leucine at codon 644 of the ZNF423 protein (p.Phe644Leu). The phenylalanine residue is highly conserved and there is a small physicochemical difference between phenylalanine and leucine.

NM_001379286.1(ZNF423):c.1956T>G (p.Phe652Leu)

Gene: ZNF423 (zinc finger protein 423; minus strand). Cytogenetic location: 16q12.1.
Variant type: single nucleotide variant.
Coding change: c.1956T>G on transcript NM_001379286.1 (MANE Select); coding-DNA position 1956, T replaced by G.
Protein change: p.Phe652Leu; replaces phenylalanine 652 with leucine.
Molecular consequence: missense variant.
Genome position (GRCh38, 1-based): chr16:49,637,220, A>C on the plus strand (T>G on the coding strand, the complement: ZNF423 is on the minus strand). VCF-style: chr16-49637220-A-C. GRCh37 (hg19) VCF-style: chr16-49671131-A-C.
Other names: c.1752T>G, p.Phe584Leu (NM_001271620.2); c.1581T>G, p.Phe527Leu (NM_001330533.2); c.1932T>G, p.Phe644Leu (NM_015069.5); short protein forms F584L, F644L, F652L, F527L.
Identifiers: ClinVar variation 1483275 (VCV001483275.6), dbSNP rs2151884283, ClinGen allele CA395845431.